The following is an entry in ClinVar:

NM_005431.2(XRCC2):c.501C>G (p.Asn167Lys)

Gene: XRCC2 (X-ray repair cross complementing 2; minus strand). Cytogenetic location: 7q36.1.
Variant type: single nucleotide variant.
Coding change: c.501C>G on transcript NM_005431.2 (MANE Select); coding-DNA position 501, C replaced by G.
Protein change: p.Asn167Lys; replaces asparagine 167 with lysine.
Molecular consequence: missense variant.
Genome position (GRCh38, 1-based): chr7:152,648,984, G>C on the plus strand (C>G on the coding strand, the complement: XRCC2 is on the minus strand). VCF-style: chr7-152648984-G-C. GRCh37 (hg19) VCF-style: chr7-152346069-G-C.
Other names: c.501C>G (NM_005431.1); short protein forms N167K.
Identifiers: ClinVar variation 1966127 (VCV001966127.6), dbSNP rs149929851, ClinGen allele CA370198557.

ClinVar aggregate classification (germline): Uncertain significance. Review status: criteria provided, multiple submitters, no conflicts (2 of 4 stars). 2 submissions from 2 submitters: Uncertain significance (2). Last evaluated 2025-05-30.

Conditions:
Hereditary cancer-predisposing syndrome. Also called: Tumor predisposition; Hereditary Cancer Syndrome; Hereditary neoplastic syndrome; Neoplastic Syndromes, Hereditary. Identifiers: Orphanet 140162, MedGen C0027672, MeSH D009386, MONDO:0015356.

Submissions (2):

Labcorp Genetics (formerly Invitae), Labcorp
Classification: Uncertain significance. Last evaluated: 2025-05-30. Review status: criteria provided, single submitter. Criteria: Invitae Variant Classification Sherloc (09022015). Collection method: clinical testing. Allele origin: germline.
Comment: This sequence change replaces asparagine, which is neutral and polar, with lysine, which is basic and polar, at codon 167 of the XRCC2 protein (p.Asn167Lys). This variant is not present in population databases (gnomAD no frequency). This variant has not been reported in the literature in individuals affected with XRCC2-related conditions. ClinVar contains an entry for this variant (Variation ID: 1966127). Invitae Evidence Modeling of protein sequence and biophysical properties (such as structural, functional, and spatial information, amino acid conservation, physicochemical variation, residue mobility, and thermodynamic stability) indicates that this missense variant is not expected to disrupt XRCC2 protein function with a negative predictive value of 80%. In summary, the available evidence is currently insufficient to determine the role of this variant in disease. Therefore, it has been classified as a Variant of Uncertain Significance.

Ambry Genetics
Classification: Uncertain significance for Hereditary cancer-predisposing syndrome. Last evaluated: 2025-02-06. Review status: criteria provided, single submitter. Criteria: Ambry Variant Classification Scheme 2023. Collection method: clinical testing. Allele origin: germline.
Comment: The p.N167K variant (also known as c.501C>G), located in coding exon 3 of the XRCC2 gene, results from a C to G substitution at nucleotide position 501. The asparagine at codon 167 is replaced by lysine, an amino acid with similar properties. This amino acid position is conserved. In addition, this alteration is predicted to be tolerated by in silico analysis. Based on the available evidence, the clinical significance of this variant remains unclear.